The following is an entry in ClinVar:

NM_001270974.2(HYDIN):c.8787G>T (p.Gly2929=)

Gene: HYDIN (HYDIN axonemal central pair apparatus protein; minus strand). Cytogenetic location: 16q22.2.
Variant type: single nucleotide variant.
Coding change: c.8787G>T on transcript NM_001270974.2 (MANE Select); coding-DNA position 8787, G replaced by T.
Protein change: p.Gly2929=; no amino-acid change (glycine 2929 retained).
Molecular consequence: synonymous variant.
Genome position (GRCh38, 1-based): chr16:70,903,687, C>A on the plus strand (G>T on the coding strand, the complement: HYDIN is on the minus strand). VCF-style: chr16-70903687-C-A. GRCh37 (hg19) VCF-style: chr16-70937590-C-A.
Identifiers: ClinVar variation 2646733 (VCV002646733.24), dbSNP rs79166414, ClinGen allele CA283508600.

ClinVar aggregate classification (germline): Likely benign (1 of 4 stars; one submission).

Allele frequency attached by ClinVar (database versions not stated): gnomAD exomes 0.00001.
gnomAD v4.1: 2 of 280,932 alleles (0.00071%); highest among the groups gnomAD compares: Admixed American, 0.0076%; no homozygotes.

Submission:

CeGaT Center for Human Genetics Tuebingen
Classification: Likely benign. Last evaluated: 2024-11-01. Review status: criteria provided, single submitter. Criteria: CeGaT Center For Human Genetics Tuebingen Variant Classification Criteria Version 2. Collection method: clinical testing. Allele origin: germline. Affected: yes. Observed: 4 variant alleles.
Comment: HYDIN: BP4, BP7